The following is an entry in ClinVar:

ClinVar aggregate classification (germline): Uncertain significance (1 of 4 stars; one submission).

Conditions:
Holoprosencephaly 3 (HPE3). Identifiers: Orphanet 2162, MedGen C1840529, MONDO:0007733, OMIM 142945.

Submission:

Labcorp Genetics (formerly Invitae), Labcorp
Classification: Uncertain significance for Holoprosencephaly 3. Last evaluated: 2021-09-25. Review status: criteria provided, single submitter. Criteria: Invitae Variant Classification Sherloc (09022015). Collection method: clinical testing. Allele origin: germline.
Comment: This variant is not present in population databases (ExAC no frequency). In summary, the available evidence is currently insufficient to determine the role of this variant in disease. Therefore, it has been classified as a Variant of Uncertain Significance. Experimental studies and prediction algorithms are not available or were not evaluated, and the functional significance of this variant is currently unknown. This variant has been observed in individual(s) with holoprosencephaly (Invitae). This variant, c.12_29dup, results in the insertion of 6 amino acid(s) to the SHH protein (p.Ala5_Leu10dup), but otherwise preserves the integrity of the reading frame.

NM_000193.4(SHH):c.12_29dup (p.Ala5_Leu10dup)

Gene: SHH (sonic hedgehog signaling molecule; minus strand). Cytogenetic location: 7q36.3.
Variant type: Duplication.
Coding change: c.12_29dup on transcript NM_000193.4 (MANE Select); coding-DNA positions 12 to 29, 18 bases duplicated (GGCGAGATGTCTGCTGCT).
Protein change: p.Ala5_Leu10dup.
Molecular consequence: inframe insertion.
Genome position (GRCh38, 1-based): chr7:155,812,094-155,812,111, AGCAGCAGACATCTCGCC duplicated on the plus strand (GGCGAGATGTCTGCTGCT on the coding strand, the reverse complement: SHH is on the minus strand); duplicating any 18 consecutive bases within chr7:155,812,094-155,812,119 gives the same sequence; the c. name uses the placement nearest the transcript's 3' end. VCF-style (leftmost placement, unchanged base first): chr7-155812093-T-TAGCAGCAGACATCTCGCC. GRCh37 (hg19) VCF-style: chr7-155604787-T-TAGCAGCAGACATCTCGCC.
Identifiers: ClinVar variation 1521290 (VCV001521290.6), dbSNP rs2117151449, ClinGen allele CA2573141890.